The following is an entry in ClinVar:

ClinVar aggregate classification (germline): Likely benign. Review status: criteria provided, multiple submitters, no conflicts (2 of 4 stars). 2 submissions from 2 submitters: Likely benign (2). Last evaluated 2024-08-12.

Allele frequency attached by ClinVar (database versions not stated): ESP Exome Variant Server 0.00008.
gnomAD v4.1: 171 of 1,613,896 alleles (0.011%); highest among the groups gnomAD compares: African/African-American, 0.021%; no homozygotes.

Submissions (2):

Labcorp Genetics (formerly Invitae), Labcorp
Classification: Likely benign. Last evaluated: 2024-08-12. Review status: criteria provided, single submitter. Criteria: Invitae Variant Classification Sherloc (09022015). Collection method: clinical testing. Allele origin: germline.

CeGaT Center for Human Genetics Tuebingen
Classification: Likely benign. Last evaluated: 2024-08-01. Review status: criteria provided, single submitter. Criteria: CeGaT Center For Human Genetics Tuebingen Variant Classification Criteria Version 2. Collection method: clinical testing. Allele origin: germline. Affected: yes. Observed: 1 variant allele.
Comment: TOE1: BP4, BP7

NM_025077.4(TOE1):c.261C>T (p.Ala87=)

Gene: TOE1 (target of EGR1, exonuclease; plus strand). Cytogenetic location: 1p34.1.
Variant type: single nucleotide variant.
Coding change: c.261C>T on transcript NM_025077.4 (MANE Select); coding-DNA position 261, C replaced by T.
Protein change: p.Ala87=; no amino-acid change (alanine 87 retained).
Molecular consequence: synonymous variant.
Genome position (GRCh38, 1-based): chr1:45,341,497, C>T. VCF-style: chr1-45341497-C-T. GRCh37 (hg19) VCF-style: chr1-45807169-C-T.
Identifiers: ClinVar variation 1374161 (VCV001374161.24), dbSNP rs148784816, ClinGen allele CA826512.